The following is an entry in ClinVar:

NM_000363.5(TNNI3):c.35C>T (p.Pro12Leu)

Gene: TNNI3 (troponin I3, cardiac type; minus strand). Cytogenetic location: 19q13.42.
Variant type: single nucleotide variant.
Coding change: c.35C>T on transcript NM_000363.5 (MANE Select); coding-DNA position 35, C replaced by T.
Protein change: p.Pro12Leu; replaces proline 12 with leucine.
Molecular consequence: missense variant.
Genome position (GRCh38, 1-based): chr19:55,157,123, G>A on the plus strand (C>T on the coding strand, the complement: TNNI3 is on the minus strand). VCF-style: chr19-55157123-G-A. GRCh37 (hg19) VCF-style: chr19-55668491-G-A.
Other names: short protein forms P12L.
Identifiers: ClinVar variation 924455 (VCV000924455.15), dbSNP rs768052584, ClinGen allele CA051333.

ClinVar aggregate classification (germline): Uncertain significance. Review status: criteria provided, multiple submitters, no conflicts (2 of 4 stars). 4 submissions from 4 submitters: Uncertain significance (4). Last evaluated 2026-09-11.

Conditions:
Cardiomyopathy (CMYO). Also called: Cardiomyopathies. Identifiers: Orphanet 167848, MedGen C0878544, MONDO:0004994, HP:0001638. Inheritance: Various modes of inheritance.
Hypertrophic cardiomyopathy. Also called: HYPERTROPHIC MYOCARDIOPATHY. Identifiers: Orphanet 217569, MedGen C0007194, MeSH D002312, MONDO:0005045, HP:0001639.
Cardiovascular phenotype. Identifiers: MedGen CN230736.

Allele frequency attached by ClinVar (database versions not stated): gnomAD 0.00001; TOPMed below 0.00001; ExAC 0.00003.

Submissions (4):

Ambry Genetics
Classification: Uncertain significance for Cardiovascular phenotype. Last evaluated: 2026-09-11. Review status: criteria provided, single submitter. Criteria: Ambry Variant Classification Scheme 2023. Collection method: clinical testing. Allele origin: germline.
Comment: The p.P12L variant (also known as c.35C>T), located in coding exon 3 of the TNNI3 gene, results from a C to T substitution at nucleotide position 35. The proline at codon 12 is replaced by leucine, an amino acid with similar properties. This amino acid position is conserved. In addition, this alteration is predicted to be tolerated by in silico analysis. Based on the available evidence, the clinical significance of this variant remains unclear.

Color Diagnostics, LLC DBA Color Health
Classification: Uncertain significance for Cardiomyopathy. Last evaluated: 2023-12-05. Review status: criteria provided, single submitter. Criteria: ACMG Guidelines, 2015. Collection method: clinical testing. Allele origin: germline.
Comment: Variant of Uncertain Significance due to insufficient evidence: This missense variant is located in the N-terminal region of the TNNI3 protein. Computational prediction tools and conservation analyses suggest that this variant may not impact the protein function. Computational splicing tools suggest that this variant may not impact RNA splicing. To our knowledge, functional assays have not been performed for this variant nor has this variant been reported in individuals affected with cardiovascular disorders in the literature. This variant is rare in the general population and has been identified in 0/277264 chromosomes by the Genome Aggregation Database (gnomAD). Available evidence is insufficient to determine the pathogenicity of this variant conclusively.

All of Us Research Program, National Institutes of Health
Classification: Uncertain significance for Hypertrophic cardiomyopathy. Last evaluated: 2023-04-27. Review status: criteria provided, single submitter. Criteria: ACMG Guidelines, 2015. Collection method: clinical testing. Allele origin: germline. Inheritance: Autosomal dominant inheritance. Observed: 1 variant allele, 1 heterozygote.
Comment: Variant of Uncertain Significance due to insufficient evidence: This missense variant is located in the N-terminal region of the TNNI3 protein. Computational prediction tools and conservation analyses suggest that this variant may not impact the protein function. Computational splicing tools suggest that this variant may not impact RNA splicing. To our knowledge, functional assays have not been performed for this variant nor has this variant been reported in individuals affected with cardiovascular disorders in the literature. This variant is rare in the general population and has been identified in 0/277264 chromosomes by the Genome Aggregation Database (gnomAD). Available evidence is insufficient to determine the pathogenicity of this variant conclusively.

This study involves interpretation of variants in research participants for the purpose of population health screening. Participant phenotype was not available at the time of variant classification. Additional details can be found in publication PMID: 35346344, PMCID: PMC8962531

Labcorp Genetics (formerly Invitae), Labcorp
Classification: Uncertain significance for Hypertrophic cardiomyopathy. Last evaluated: 2022-08-22. Review status: criteria provided, single submitter. Criteria: Invitae Variant Classification Sherloc (09022015). Collection method: clinical testing. Allele origin: germline.
Comment: In summary, the available evidence is currently insufficient to determine the role of this variant in disease. Therefore, it has been classified as a Variant of Uncertain Significance. Algorithms developed to predict the effect of missense changes on protein structure and function are either unavailable or do not agree on the potential impact of this missense change (SIFT: "Deleterious"; PolyPhen-2: "Not Available"; Align-GVGD: "Class C0"). ClinVar contains an entry for this variant (Variation ID: 924455). This variant has not been reported in the literature in individuals affected with TNNI3-related conditions. The frequency data for this variant in the population databases is considered unreliable, as metrics indicate poor data quality at this position in the gnomAD database. This sequence change replaces proline, which is neutral and non-polar, with leucine, which is neutral and non-polar, at codon 12 of the TNNI3 protein (p.Pro12Leu).